The following is an entry in ClinVar:

NM_005857.3(ZMPSTE24):c.-954G>C

Gene: ZMPSTE24 (zinc metallopeptidase STE24; plus strand). Cytogenetic location: 1p34.2.
Variant type: single nucleotide variant.
Coding change: c.-954G>C on transcript NM_005857.3; 954 bases upstream of the start codon, G replaced by C.
Genome position (GRCh38, 1-based): chr1:40,257,318, G>C. VCF-style: chr1-40257318-G-C. GRCh37 (hg19) VCF-style: chr1-40722990-G-C.
Identifiers: ClinVar variation 140508 (VCV000140508.3), dbSNP rs147867849, ClinGen allele CA232715.

ClinVar aggregate classification (germline): not provided (0 of 4 stars; one submission).

Allele frequency attached by ClinVar (database versions not stated): 1000 Genomes Project 30x 0.00344; gnomAD 0.01097 and 0.01144; 1000 Genomes Project 0.00339; TOPMed 0.01173.

Submission:

ZMPSTE24 homepage - Leiden Muscular Dystrophy pages
No classification provided. Review status: no classification provided. Collection method: not provided. Allele origin: germline.
Comment: no known functional consequence